The following is an entry in ClinVar:

NM_198880.3(QRICH1):c.16del (p.Glu6fs)

Gene: QRICH1 (glutamine rich 1; minus strand). Cytogenetic location: 3p21.31.
Variant type: Deletion.
Coding change: c.16del on transcript NM_198880.3 (MANE Select); coding-DNA position 16, one base deleted (G; older notation c.16delG).
Protein change: p.Glu6fs; shifts the reading frame from glutamic acid 6.
Molecular consequence: frameshift variant.
Genome position (GRCh38, 1-based): chr3:49,077,002, C deleted on the plus strand (G on the coding strand, the reverse complement: QRICH1 is on the minus strand). VCF-style (leftmost placement, unchanged base first): chr3-49077001-TC-T. GRCh37 (hg19) VCF-style: chr3-49114434-TC-T.
Other names: c.16del, p.Glu6fs (NM_001320580.2, NM_001320581.2, NM_001320582.2 and 4 more transcripts); short protein forms E6fs.
Identifiers: ClinVar variation 3355464 (VCV003355464.1).

ClinVar aggregate classification (germline): Uncertain significance (0 of 4 stars; one submission).

Conditions:
QRICH1-related disorder. Also called: QRICH1-related condition.

Submission:

PreventionGenetics, part of Exact Sciences
Classification: Uncertain significance for QRICH1-related condition. Last evaluated: 2024-09-10. Review status: no assertion criteria provided. Collection method: clinical testing. Allele origin: germline.
Comment: The QRICH1 c.16delG variant is predicted to result in a frameshift and premature protein termination (p.Glu6Argfs*12). To our knowledge, this variant has not been reported in the literature or in a large population database, indicating this variant is rare. Frameshift variants in QRICH1 are expected to be pathogenic; yet, this variant is located in the first exon, and there is another Methionine (start codon) nearby downstream. Although we suspect that this variant may be pathogenic, at this time, the clinical significance of this variant is uncertain due to the absence of conclusive functional and genetic evidence.